The following is an entry in ClinVar:

ClinVar aggregate classification (germline): Likely benign (0 of 4 stars; one submission).

Conditions:
STAT5B-related disorder. Also called: STAT5B-related condition.

Submission:

PreventionGenetics, part of Exact Sciences
Classification: Likely benign for STAT5B-related condition. Last evaluated: 2020-10-06. Review status: no assertion criteria provided. Collection method: clinical testing. Allele origin: germline.
Comment: This variant is classified as likely benign based on ACMG/AMP sequence variant interpretation guidelines (Richards et al. 2015 PMID: 25741868, with internal and published modifications).

NM_012448.4(STAT5B):c.1305G>A (p.Val435=)

Gene: STAT5B (signal transducer and activator of transcription 5B; minus strand). Cytogenetic location: 17q21.2.
Variant type: single nucleotide variant.
Coding change: c.1305G>A on transcript NM_012448.4 (MANE Select); coding-DNA position 1305, G replaced by A.
Protein change: p.Val435=; no amino-acid change (valine 435 retained).
Molecular consequence: synonymous variant.
Genome position (GRCh38, 1-based): chr17:42,217,235, C>T on the plus strand (G>A on the coding strand, the complement: STAT5B is on the minus strand). VCF-style: chr17-42217235-C-T. GRCh37 (hg19) VCF-style: chr17-40369253-C-T.
Identifiers: ClinVar variation 3032940 (VCV003032940.2), dbSNP rs2508749885, ClinGen allele CA500059219.
Genomic context (GRCh38, chr17:42,217,235, plus strand): 5'-CAGCTCATTTCCACCAACACTGAACTGGGATTCAAACAGGATTGTAAATTTTTCTTCTGT[C>T]ACCGACTCTGCCCCACGACGGTCTGACCTCTTAATTCGTTTCAGGGACTACAAAGAAGAA-3'
Protein context (NP_036580.2, residues 425-445): KRSDRRGAES[Val435=]TEEKFTILFE